The following is an entry in ClinVar:

ClinVar aggregate classification (germline): Pathogenic. Review status: criteria provided, multiple submitters, no conflicts (2 of 4 stars). 2 submissions from 2 submitters: Pathogenic (2). Last evaluated 2021-01-06.

Conditions:
Joubert syndrome 3 (JBTS3). Also called: AHI1-related Ciliopathy. Identifiers: Orphanet 220493, MedGen C1837713, MONDO:0012078, OMIM 608629.

Submissions (2):

Genomic Medicine Center of Excellence, King Faisal Specialist Hospital and Research Centre
Classification: Pathogenic for Joubert syndrome 3. Last evaluated: 2021-01-06. Review status: criteria provided, single submitter. Criteria: ACMG Guidelines, 2015. Collection method: clinical testing. Allele origin: germline. Affected: yes.

Baylor Genetics
Classification: Pathogenic for Joubert syndrome 3. Last evaluated: 2019-09-20. Review status: criteria provided, single submitter. Criteria: ACMG Guidelines, 2015. Collection method: clinical testing. Allele origin: unknown. Affected: yes.
Comment: This variant was determined to be pathogenic according to ACMG Guidelines, 2015 [PMID:25741868].

NM_001134831.2(AHI1):c.2361G>A (p.Trp787Ter)

Gene: AHI1 (Abelson helper integration site 1; minus strand). Cytogenetic location: 6q23.3.
Variant type: single nucleotide variant.
Coding change: c.2361G>A on transcript NM_001134831.2 (MANE Select); coding-DNA position 2361, G replaced by A.
Protein change: p.Trp787Ter; replaces tryptophan 787 with a stop codon.
Molecular consequence: nonsense.
Genome position (GRCh38, 1-based): chr6:135,431,220, C>T on the plus strand (G>A on the coding strand, the complement: AHI1 is on the minus strand). VCF-style: chr6-135431220-C-T. GRCh37 (hg19) VCF-style: chr6-135752358-C-T.
Other names: c.2361G>A, p.Trp787Ter (NM_001134830.2, NM_001134832.2, NM_001350503.2 and 2 more transcripts); short protein forms W787*.
Identifiers: ClinVar variation 1029630 (VCV001029630.4), dbSNP rs863225146, ClinGen allele CA365743125.